The following is an entry in ClinVar:

ClinVar aggregate classification (germline): Uncertain significance (1 of 4 stars; one submission).

Submission:

GeneDx
Classification: Uncertain significance. Last evaluated: 2022-07-01. Review status: criteria provided, single submitter. Criteria: GeneDx Variant Classification Process June 2021. Collection method: clinical testing. Allele origin: germline. Affected: yes.
Comment: Not observed at significant frequency in large population cohorts (gnomAD); Nonsense variant predicted to result in protein truncation or nonsense mediated decay in a gene or region of a gene for which loss of function is not a well-established mechanism of disease; Has not been previously published as pathogenic or benign to our knowledge

NM_004655.4(AXIN2):c.2148T>A (p.Cys716Ter)

Gene: AXIN2 (axin 2; minus strand). Cytogenetic location: 17q24.1.
Variant type: single nucleotide variant.
Coding change: c.2148T>A on transcript NM_004655.4 (MANE Select); coding-DNA position 2148, T replaced by A.
Protein change: p.Cys716Ter; replaces cysteine 716 with a stop codon.
Molecular consequence: nonsense.
Genome position (GRCh38, 1-based): chr17:65,535,715, A>T on the plus strand (T>A on the coding strand, the complement: AXIN2 is on the minus strand). VCF-style: chr17-65535715-A-T. GRCh37 (hg19) VCF-style: chr17-63531833-A-T.
Other names: c.1953T>A, p.Cys651Ter (NM_001363813.1); short protein forms C651*, C716*.
Identifiers: ClinVar variation 1809813 (VCV001809813.1), dbSNP rs2144433920, ClinGen allele CA400675875.
Genomic context (GRCh38, chr17:65,535,715, plus strand): 5'-GGGTGTGGCTCCCGTCTGAACAGTGGCCGAATGATTCCTGTCCCTCTGCTGACTGGCCAC[A>T]CAGCACCTGAGGACACAGCCAGGGCGAGGGATTTAGAGGTACACTGTTGTCCCCAGAGCA-3'